The following is an entry in ClinVar:

ClinVar aggregate classification (germline): Uncertain significance (1 of 4 stars; one submission).

Allele frequency attached by ClinVar (database versions not stated): gnomAD exomes 0.00001; TOPMed below 0.00001.
gnomAD v4.1: 9 of 1,613,582 alleles (0.00056%); highest among the groups gnomAD compares: Non-Finnish European, 0.00076%; no homozygotes.

Submission:

Labcorp Genetics (formerly Invitae), Labcorp
Classification: Uncertain significance. Last evaluated: 2022-05-25. Review status: criteria provided, single submitter. Criteria: Invitae Variant Classification Sherloc (09022015). Collection method: clinical testing. Allele origin: germline.
Comment: This sequence change replaces serine, which is neutral and polar, with threonine, which is neutral and polar, at codon 67 of the SLC45A2 protein (p.Ser67Thr). This variant is not present in population databases (gnomAD no frequency). This variant has not been reported in the literature in individuals affected with SLC45A2-related conditions. Algorithms developed to predict the effect of missense changes on protein structure and function (SIFT, PolyPhen-2, Align-GVGD) all suggest that this variant is likely to be tolerated. In summary, the available evidence is currently insufficient to determine the role of this variant in disease. Therefore, it has been classified as a Variant of Uncertain Significance.

NM_016180.5(SLC45A2):c.200G>C (p.Ser67Thr)

Gene: SLC45A2 (solute carrier family 45 member 2; minus strand). Cytogenetic location: 5p13.2.
Variant type: single nucleotide variant.
Coding change: c.200G>C on transcript NM_016180.5 (MANE Select); coding-DNA position 200, G replaced by C.
Protein change: p.Ser67Thr; replaces serine 67 with threonine.
Molecular consequence: missense variant.
Genome position (GRCh38, 1-based): chr5:33,984,384, C>G on the plus strand (G>C on the coding strand, the complement: SLC45A2 is on the minus strand). VCF-style: chr5-33984384-C-G. GRCh37 (hg19) VCF-style: chr5-33984489-C-G.
Other names: c.200G>C, p.Ser67Thr (NM_001012509.4, NM_001297417.4); short protein forms S67T.
Identifiers: ClinVar variation 1995079 (VCV001995079.1), dbSNP rs752568566, ClinGen allele CA359397614.